The following is an entry in ClinVar:

ClinVar aggregate classification (germline): Uncertain significance (0 of 4 stars; one submission).

Conditions:
ZNF804A-related disorder. Also called: ZNF804A-related condition.

Submission:

PreventionGenetics, part of Exact Sciences
Classification: Uncertain significance for ZNF804A-related condition. Last evaluated: 2023-10-23. Review status: no assertion criteria provided. Collection method: clinical testing. Allele origin: germline.
Comment: The ZNF804A c.2943delA variant is predicted to result in a frameshift and premature protein termination (p.Gly982Glufs*3). To our knowledge, this variant has not been reported in the literature or in a large population database, indicating this variant is rare. Of note, loss of function variants have not commonly been reported in the ZNF804A gene. At this time, the clinical significance of this variant is uncertain due to the absence of conclusive functional and genetic evidence.

NM_194250.2(ZNF804A):c.2943del (p.Gly982fs)

Gene: ZNF804A (zinc finger protein 804A; plus strand). Cytogenetic location: 2q32.1.
Variant type: Deletion.
Coding change: c.2943del on transcript NM_194250.2 (MANE Select); coding-DNA position 2943, one base deleted (A; older notation c.2943delA).
Protein change: p.Gly982fs; shifts the reading frame from glycine 982.
Molecular consequence: frameshift variant.
Genome position (GRCh38, 1-based): chr2:184,938,339, A deleted; the last of 2 consecutive A bases (chr2:184,938,338-184,938,339); deleting either gives the same sequence. VCF-style (leftmost placement, unchanged base first): chr2-184938337-CA-C. GRCh37 (hg19) VCF-style: chr2-185803064-CA-C.
Other names: short protein forms G982fs.
Identifiers: ClinVar variation 3048266 (VCV003048266.2), dbSNP rs2468473390, ClinGen allele CA2740096377.